The following is an entry in ClinVar:

ClinVar aggregate classification (germline): Pathogenic/Likely pathogenic. Review status: criteria provided, multiple submitters, no conflicts (2 of 4 stars). 2 submissions from 2 submitters: Pathogenic (1); Likely pathogenic (1). Last evaluated 2025-12-15.

Conditions:
PEPD-related disorder. Also called: PEPD-related condition.

Submissions (2):

PreventionGenetics, part of Exact Sciences
Classification: Likely pathogenic for PEPD-related condition. Last evaluated: 2025-12-15. Review status: criteria provided, single submitter. Criteria: ACMG Guidelines, 2015. Collection method: clinical testing. Allele origin: germline.
Comment: The PEPD c.802C>T variant is predicted to result in premature protein termination (p.Gln268*). To our knowledge, this variant has not been reported in the literature or in a large population database (gnomAD), indicating this variant is rare. Nonsense variants in PEPD are expected to be pathogenic. This variant is interpreted as likely pathogenic.

Labcorp Genetics (formerly Invitae), Labcorp
Classification: Pathogenic. Last evaluated: 2025-09-09. Review status: criteria provided, single submitter. Criteria: Invitae Variant Classification Sherloc (09022015). Collection method: clinical testing. Allele origin: germline.
Comment: This sequence change creates a premature translational stop signal (p.Gln268*) in the PEPD gene. It is expected to result in an absent or disrupted protein product. Loss-of-function variants in PEPD are known to be pathogenic (PMID: 8198124, 10721675, 12384772, 17142620). This variant is not present in population databases (gnomAD no frequency). This variant has not been reported in the literature in individuals affected with PEPD-related conditions. For these reasons, this variant has been classified as Pathogenic.

Literature cited by the submitters: PubMed 8198124 (cited by Labcorp Genetics (formerly Invitae), Labcorp); PubMed 10721675 (cited by Labcorp Genetics (formerly Invitae), Labcorp); PubMed 12384772 (cited by Labcorp Genetics (formerly Invitae), Labcorp); PubMed 17142620 (cited by Labcorp Genetics (formerly Invitae), Labcorp).

NM_000285.4(PEPD):c.802C>T (p.Gln268Ter)

Gene: PEPD (peptidase D; minus strand). Cytogenetic location: 19q13.11.
Variant type: single nucleotide variant.
Coding change: c.802C>T on transcript NM_000285.4 (MANE Select); coding-DNA position 802, C replaced by T.
Protein change: p.Gln268Ter; replaces glutamine 268 with a stop codon.
Molecular consequence: nonsense.
Genome position (GRCh38, 1-based): chr19:33,411,688, G>A on the plus strand (C>T on the coding strand, the complement: PEPD is on the minus strand). VCF-style: chr19-33411688-G-A. GRCh37 (hg19) VCF-style: chr19-33902594-G-A.
Other names: c.802C>T (NM_000285.3); c.679C>T, p.Gln227Ter (NM_001166056.2); c.610C>T, p.Gln204Ter (NM_001166057.2); short protein forms Q268*, Q204*, Q227*.
Identifiers: ClinVar variation 4771410 (VCV004771410.2).